The following is an entry in ClinVar:

ClinVar aggregate classification (germline): Uncertain significance (1 of 4 stars; one submission).

Conditions:
Hereditary cancer-predisposing syndrome. Also called: Neoplastic Syndromes, Hereditary; Tumor predisposition; Hereditary Cancer Syndrome; Hereditary neoplastic syndrome. Identifiers: Orphanet 140162, MedGen C0027672, MeSH D009386, MONDO:0015356.

Submission:

Ambry Genetics
Classification: Uncertain significance for Hereditary cancer-predisposing syndrome. Last evaluated: 2025-08-20. Review status: criteria provided, single submitter. Criteria: Ambry Variant Classification Scheme 2023. Collection method: clinical testing. Allele origin: germline.
Comment: The p.C633G variant (also known as c.1897T>G), located in coding exon 12 of the RAD50 gene, results from a T to G substitution at nucleotide position 1897. The cysteine at codon 633 is replaced by glycine, an amino acid with highly dissimilar properties. This amino acid position is highly conserved in available vertebrate species. In addition, the in silico prediction for this alteration is inconclusive. Since supporting evidence is limited at this time, the clinical significance of this alteration remains unclear.

NM_005732.4(RAD50):c.1897T>G (p.Cys633Gly)

Gene: RAD50 (RAD50 double strand break repair protein; plus strand). Cytogenetic location: 5q31.1.
Variant type: single nucleotide variant.
Coding change: c.1897T>G on transcript NM_005732.4 (MANE Select); coding-DNA position 1897, T replaced by G.
Protein change: p.Cys633Gly; replaces cysteine 633 with glycine.
Molecular consequence: missense variant.
Genome position (GRCh38, 1-based): chr5:132,594,972, T>G. VCF-style: chr5-132594972-T-G. GRCh37 (hg19) VCF-style: chr5-131930664-T-G.
Other names: short protein forms C633G.
Identifiers: ClinVar variation 820255 (VCV000820255.5), dbSNP rs1580996501, ClinGen allele CA360948056.
Genomic context (GRCh38, chr5:132,594,972, plus strand): 5'-AATGAACTAAAAAGAAAGGAAGAGCAGTTGTCCAGTTACGAAGACAAGCTGTTTGATGTT[T>G]GTGGTAGCCAGGATTTTGAAAGTGATTTAGACAGGCTTAAAGAGGAAATTGAAAAATCAT-3'
Protein context (NP_005723.2, residues 623-643): SSYEDKLFDV[Cys633Gly]GSQDFESDLD